The following is an entry in ClinVar:

NM_000257.4(MYH7):c.1408-19C>A

Gene: MYH7 (myosin heavy chain 7; minus strand). Cytogenetic location: 14q11.2.
Variant type: single nucleotide variant.
Coding change: c.1408-19C>A on transcript NM_000257.4 (MANE Select); 19 bases into the intron before coding-DNA position 1408, C replaced by A.
Molecular consequence: intron variant.
Genome position (GRCh38, 1-based): chr14:23,428,689, G>T on the plus strand (C>A on the coding strand, the complement: MYH7 is on the minus strand). VCF-style: chr14-23428689-G-T. GRCh37 (hg19) VCF-style: chr14-23897898-G-T.
Identifiers: ClinVar variation 996220 (VCV000996220.8), dbSNP rs758286237, ClinGen allele CA028431.
Genomic context (GRCh38, chr14:23,428,689, plus strand): 5'-CTCGTTGGTGAAGTTGATGCAGAGCTGCTCAAAGCTGTTGAACTGCAGGGGGCATGAGGG[G>T]TGGGAGCAGTCAGAAAGTGGGTGTGAGTGGCCATTGGGGCTGTGCCCGTCCACTGTGCCT-3'

ClinVar aggregate classification (germline): Likely benign. Review status: criteria provided, multiple submitters, no conflicts (2 of 4 stars). 2 submissions from 2 submitters: Likely benign (2). Last evaluated 2025-08-29.

Conditions:
Hypertrophic cardiomyopathy. Also called: HYPERTROPHIC MYOCARDIOPATHY. Identifiers: Orphanet 217569, MedGen C0007194, MeSH D002312, MONDO:0005045, HP:0001639.

Allele frequency attached by ClinVar (database versions not stated): ExAC 0.00001; gnomAD 0.00001; gnomAD exomes 0.00001; TOPMed 0.00001.
gnomAD v4.1: 18 of 1,613,870 alleles (0.0011%); highest among the groups gnomAD compares: South Asian, 0.0033%; no homozygotes.

Submissions (2):

Labcorp Genetics (formerly Invitae), Labcorp
Classification: Likely benign for Hypertrophic cardiomyopathy. Last evaluated: 2025-08-29. Review status: criteria provided, single submitter. Criteria: Invitae Variant Classification Sherloc (09022015). Collection method: clinical testing. Allele origin: germline.

Women's Health and Genetics/Laboratory Corporation of America, LabCorp
Classification: Likely benign. Last evaluated: 2021-01-07. Review status: criteria provided, single submitter. Criteria: LabCorp Variant Classification Summary - May 2015. Collection method: clinical testing. Allele origin: germline.
Comment: Variant summary: MYH7 c.1408-19C>A alters a non-conserved nucleotide located close to a canonical splice site and therefore could affect mRNA splicing, leading to a significantly altered protein sequence. 4/4 computational tools predict no significant impact on normal splicing. However, these predictions have yet to be confirmed by functional studies. The variant allele was found at a frequency of 8e-06 in 250834 control chromosomes (gnomAD). The available data on variant occurrences in the general population are insufficient to allow any conclusion about variant significance. To our knowledge, no occurrence of c.1408-19C>A in individuals affected with Cardiomyopathy and no experimental evidence demonstrating its impact on protein function have been reported. No clinical diagnostic laboratories have submitted clinical-significance assessments for this variant to ClinVar after 2014. Based on the evidence outlined above, the variant was classified as likely benign.